The following is an entry in ClinVar:

NM_020436.5(SALL4):c.548T>G (p.Leu183Trp)

Gene: SALL4 (spalt like transcription factor 4; minus strand). Cytogenetic location: 20q13.2.
Variant type: single nucleotide variant.
Coding change: c.548T>G on transcript NM_020436.5 (MANE Select); coding-DNA position 548, T replaced by G.
Protein change: p.Leu183Trp; replaces leucine 183 with tryptophan.
Molecular consequence: missense variant.
Genome position (GRCh38, 1-based): chr20:51,791,935, A>C on the plus strand (T>G on the coding strand, the complement: SALL4 is on the minus strand). VCF-style: chr20-51791935-A-C. GRCh37 (hg19) VCF-style: chr20-50408474-A-C.
Other names: c.548T>G, p.Leu183Trp (NM_001318031.2); short protein forms L183W.
Identifiers: ClinVar variation 3664374 (VCV003664374.2).

ClinVar aggregate classification (germline): Uncertain significance (1 of 4 stars; one submission).

Conditions:
Duane-radial ray syndrome (DRRS). Also called: DR SYNDROME; DUANE ANOMALY WITH RADIAL RAY ABNORMALITIES AND DEAFNESS; Duane-Radial Ray Syndrome/Okihiro Syndrome; ACRORENOOCULAR SYNDROME; Okihiro Syndrome; Duane-Radial Ray Syndrome (DRRS) / Okihiro Syndrome. Identifiers: Orphanet 93293, Orphanet 959, MedGen C1623209, MONDO:0011812, OMIM 607323. Disease mechanism: gain of function.

Submission:

Labcorp Genetics (formerly Invitae), Labcorp
Classification: Uncertain significance for Duane-radial ray syndrome. Last evaluated: 2024-09-03. Review status: criteria provided, single submitter. Criteria: Invitae Variant Classification Sherloc (09022015). Collection method: clinical testing. Allele origin: germline.
Comment: This sequence change replaces leucine, which is neutral and non-polar, with tryptophan, which is neutral and slightly polar, at codon 183 of the SALL4 protein (p.Leu183Trp). This variant is not present in population databases (gnomAD no frequency). This variant has not been reported in the literature in individuals affected with SALL4-related conditions. An algorithm developed to predict the effect of missense changes on protein structure and function (PolyPhen-2) suggests that this variant is likely to be disruptive. In summary, the available evidence is currently insufficient to determine the role of this variant in disease. Therefore, it has been classified as a Variant of Uncertain Significance.